The following is an entry in ClinVar:

ClinVar aggregate classification (germline): Uncertain significance (1 of 4 stars; one submission).

Conditions:
Neonatal-onset encephalopathy with rigidity and seizures. Also called: Lethal neonatal spasticity-epileptic encephalopathy syndrome. Identifiers: Orphanet 435845, MedGen C3281029, MONDO:0013784, OMIM 614498.

Allele frequency attached by ClinVar (database versions not stated): gnomAD exomes below 0.00001 and 0.00001; TOPMed below 0.00001.
gnomAD v4.1: 11 of 1,600,876 alleles (0.00069%); highest among the groups gnomAD compares: African/African-American, 0.0013%; no homozygotes.

Submission:

Labcorp Genetics (formerly Invitae), Labcorp
Classification: Uncertain significance for Neonatal-onset encephalopathy with rigidity and seizures. Last evaluated: 2021-11-12. Review status: criteria provided, single submitter. Criteria: Invitae Variant Classification Sherloc (09022015). Collection method: clinical testing. Allele origin: germline.
Comment: In summary, the available evidence is currently insufficient to determine the role of this variant in disease. Therefore, it has been classified as a Variant of Uncertain Significance. Algorithms developed to predict the effect of missense changes on protein structure and function output the following: SIFT: "Tolerated"; PolyPhen-2: "Benign"; Align-GVGD: "Class C0". The glycine amino acid residue is found in multiple mammalian species, which suggests that this missense change does not adversely affect protein function. This variant has not been reported in the literature in individuals affected with BRAT1-related conditions. The frequency data for this variant in the population databases is considered unreliable, as metrics indicate poor data quality at this position in the gnomAD database. This sequence change replaces glutamic acid, which is acidic and polar, with glycine, which is neutral and non-polar, at codon 587 of the BRAT1 protein (p.Glu587Gly).

NM_152743.4(BRAT1):c.1760A>G (p.Glu587Gly)

Gene: BRAT1 (BRCA1 associated ATM activator 1; minus strand). Cytogenetic location: 7p22.3.
Variant type: single nucleotide variant.
Coding change: c.1760A>G on transcript NM_152743.4 (MANE Select); coding-DNA position 1760, A replaced by G.
Protein change: p.Glu587Gly; replaces glutamic acid 587 with glycine.
Molecular consequence: missense variant. On other transcripts: non-coding transcript variant (1).
Genome position (GRCh38, 1-based): chr7:2,539,189, T>C on the plus strand (A>G on the coding strand, the complement: BRAT1 is on the minus strand). VCF-style: chr7-2539189-T-C. GRCh37 (hg19) VCF-style: chr7-2578823-T-C.
Other names: c.1760A>G, p.Glu587Gly (NM_001350626.2); c.1235A>G, p.Glu412Gly (NM_001350627.2); short protein forms E587G, E412G.
Identifiers: ClinVar variation 1513150 (VCV001513150.6), dbSNP rs1266059224, ClinGen allele CA366626199.